The following is an entry in ClinVar:

ClinVar aggregate classification (germline): Uncertain significance (1 of 4 stars; one submission).

Conditions:
Noonan syndrome 9 (NS9). Identifiers: Orphanet 648, MedGen C4225282, MONDO:0014691, OMIM 616559.

Allele frequency attached by ClinVar (database versions not stated): TOPMed below 0.00001.

Submission:

Labcorp Genetics (formerly Invitae), Labcorp
Classification: Uncertain significance for Noonan syndrome 9. Last evaluated: 2022-06-03. Review status: criteria provided, single submitter. Criteria: Invitae Variant Classification Sherloc (09022015). Collection method: clinical testing. Allele origin: germline.
Comment: This sequence change replaces leucine, which is neutral and non-polar, with valine, which is neutral and non-polar, at codon 354 of the SOS2 protein (p.Leu354Val). In summary, the available evidence is currently insufficient to determine the role of this variant in disease. Therefore, it has been classified as a Variant of Uncertain Significance. Advanced modeling of protein sequence and biophysical properties (such as structural, functional, and spatial information, amino acid conservation, physicochemical variation, residue mobility, and thermodynamic stability) performed at Invitae indicates that this missense variant is not expected to disrupt SOS2 protein function. This variant has not been reported in the literature in individuals affected with SOS2-related conditions. This variant is not present in population databases (gnomAD no frequency).

NM_006939.4(SOS2):c.1060T>G (p.Leu354Val)

Gene: SOS2 (SOS Ras/Rho guanine nucleotide exchange factor 2; minus strand). Cytogenetic location: 14q21.3.
Variant type: single nucleotide variant.
Coding change: c.1060T>G on transcript NM_006939.4 (MANE Select); coding-DNA position 1060, T replaced by G.
Protein change: p.Leu354Val; replaces leucine 354 with valine.
Molecular consequence: missense variant. On other transcripts: intron variant (1).
Genome position (GRCh38, 1-based): chr14:50,174,462, A>C on the plus strand (T>G on the coding strand, the complement: SOS2 is on the minus strand). VCF-style: chr14-50174462-A-C. GRCh37 (hg19) VCF-style: chr14-50641180-A-C.
Other names: c.969+6110T>G (NM_001411020.1); short protein forms L354V.
Identifiers: ClinVar variation 2001144 (VCV002001144.4), dbSNP rs1166682793, ClinGen allele CA389646683.